The following is an entry in ClinVar:

ClinVar aggregate classification (germline): Likely pathogenic (1 of 4 stars; one submission).

Conditions:
Hypertrophic cardiomyopathy 4. Also called: Familial hypertrophic cardiomyopathy 4. Identifiers: MedGen C1861862, MONDO:0007268, OMIM 115197.

Submission:

3billion
Classification: Likely pathogenic for Hypertrophic cardiomyopathy 4. Last evaluated: 2023-11-26. Review status: criteria provided, single submitter. Criteria: ACMG Guidelines, 2015. Collection method: clinical testing. Allele origin: germline. Affected: yes.
Comment: The variant is not observed in the gnomAD v2.1.1 dataset. Predicted Consequence/Location: Stop-gained (nonsense): predicted to result in a loss or disruption of normal protein function through nonsense-mediated decay (NMD) or protein truncation. Multiple pathogenic variants are reported downstream of the variant. In silico tools predict the variant to alter splicing and produce an abnormal transcript [Splice AI: 0.91 (spliceogenicity >=0.2, non-spliceogenicity <0.1)]. Therefore, this variant is classified as Likely pathogenic according to the recommendation of ACMG/AMP guideline.

NM_000256.3(MYBPC3):c.2425G>T (p.Glu809Ter)

Gene: MYBPC3 (myosin binding protein C3; minus strand). Cytogenetic location: 11p11.2.
Variant type: single nucleotide variant.
Coding change: c.2425G>T on transcript NM_000256.3 (MANE Select); coding-DNA position 2425, G replaced by T.
Protein change: p.Glu809Ter; replaces glutamic acid 809 with a stop codon.
Molecular consequence: nonsense.
Genome position (GRCh38, 1-based): chr11:47,337,568, C>A on the plus strand (G>T on the coding strand, the complement: MYBPC3 is on the minus strand). VCF-style: chr11-47337568-C-A. GRCh37 (hg19) VCF-style: chr11-47359119-C-A.
Other names: short protein forms E809*.
Identifiers: ClinVar variation 3775587 (VCV003775587.1).
Genomic context (GRCh38, chr11:47,337,568, plus strand): 5'-GCTCCTGAATCAGGTCGAAGTTCAGCCGCATCCACCGGTAGCTCTTCTTCTTCTTGCGCT[C>A]CAGGATGTAGCCTGGCTCAGGGGAGGTGGCAGCTCTGGTCTGGAACCCAGGCATCCCCAC-3'